The following is an entry in ClinVar:

NM_001127392.3(MYRF):c.1435C>G (p.Leu479Val)

Gene: MYRF (myelin regulatory factor; plus strand). Cytogenetic location: 11q12.2.
Variant type: single nucleotide variant.
Coding change: c.1435C>G on transcript NM_001127392.3 (MANE Select); coding-DNA position 1435, C replaced by G.
Protein change: p.Leu479Val; replaces leucine 479 with valine.
Molecular consequence: missense variant.
Genome position (GRCh38, 1-based): chr11:61,776,368, C>G. VCF-style: chr11-61776368-C-G. GRCh37 (hg19) VCF-style: chr11-61543840-C-G.
Other names: c.1408C>G, p.Leu470Val (NM_013279.4); short protein forms L470V, L479V.
Identifiers: ClinVar variation 996608 (VCV000996608.2), dbSNP rs2066382188, ClinGen allele CA380854098.

ClinVar aggregate classification (germline): Pathogenic. Review status: criteria provided, single submitter (1 of 4 stars). 2 submissions from 2 submitters: Pathogenic (1). 1 of the submissions does not count toward it. Last evaluated 2026-02-23.

Conditions:
Abnormal heart morphology. Also called: Abnormality of cardiac morphology; Heart, malformation of. Identifiers: MedGen C0018798, MeSH D006330, HP:0001627.
Urogenital tract malformation. Also called: Abnormality of the genitourinary system. Identifiers: Orphanet 83001, MedGen C0042063, MONDO:0019356, HP:0000119.

Submissions (2):

GeneDx
Classification: Pathogenic. Last evaluated: 2026-02-23. Review status: criteria provided, single submitter. Criteria: GeneDx Variant Classification Process June 2021. Collection method: clinical testing. Allele origin: germline.
Comment: Published functional studies demonstrate a damaging effect by altering the structure of the DNA-binding domain (PMID: 33798553); Not observed at significant frequency in large population cohorts (gnomAD); In silico analysis supports that this missense variant has a deleterious effect on protein structure/function; Also known as p.(L470V); This variant is associated with the following publications: (PMID: 40127276, Qi2017[article], 31069960, 39868768, 38155716, 36467480, 30532227, 32368696, 28991257, 31941532, 33798553)

University of Washington Center for Mendelian Genomics, University of Washington
Classification: Likely pathogenic for Abnormal heart morphology; Urogenital tract malformation. Review status: no assertion criteria provided. Collection method: research. Allele origin: de novo. Affected: yes. Not counted in ClinVar's aggregate classification.

Literature cited by the submitters: PubMed 30532227 (cited by University of Washington Center for Mendelian Genomics, University of Washington).